The following is an entry in ClinVar:

ClinVar aggregate classification (germline): Likely benign. Review status: criteria provided, multiple submitters, no conflicts (2 of 4 stars). 5 submissions from 5 submitters: Likely benign (5). Last evaluated 2026-09-25.

Conditions:
Hereditary cancer-predisposing syndrome. Also called: Hereditary neoplastic syndrome; Neoplastic Syndromes, Hereditary; Hereditary Cancer Syndrome; Tumor predisposition. Identifiers: Orphanet 140162, MedGen C0027672, MeSH D009386, MONDO:0015356.
NTHL1-related disorder. Also called: NTHL1-related condition; NTHL1-related conditions.

Allele frequency attached by ClinVar (database versions not stated): TOPMed 0.00001; gnomAD exomes 0.00003.
gnomAD v4.1: 43 of 1,612,098 alleles (0.0027%); highest among the groups gnomAD compares: Non-Finnish European, 0.0036%; no homozygotes.

Submissions (5):

PreventionGenetics, part of Exact Sciences
Classification: Likely benign for NTHL1-related condition. Last evaluated: 2026-09-25. Review status: criteria provided, single submitter. Criteria: ACMG Guidelines, 2015. Collection method: clinical testing. Allele origin: germline.
Comment: This variant is classified as likely benign based on ACMG/AMP sequence variant interpretation guidelines (Richards et al. 2015 PMID: 25741868, with internal and published modifications).

Labcorp Genetics (formerly Invitae), Labcorp
Classification: Likely benign. Last evaluated: 2025-12-21. Review status: criteria provided, single submitter. Criteria: Invitae Variant Classification Sherloc (09022015). Collection method: clinical testing. Allele origin: germline.

Quest Diagnostics Nichols Institute San Juan Capistrano
Classification: Likely benign. Last evaluated: 2023-09-01. Review status: criteria provided, single submitter. Criteria: Quest Diagnostics criteria. Collection method: clinical testing. Allele origin: unknown.

Blueprint Genetics
Classification: Likely benign. Last evaluated: 2022-07-25. Review status: criteria provided, single submitter. Criteria: ACMG Guidelines, 2015. Collection method: clinical testing. Allele origin: germline.

Ambry Genetics
Classification: Likely benign for Hereditary cancer-predisposing syndrome. Last evaluated: 2019-09-04. Review status: criteria provided, single submitter. Criteria: Ambry Variant Classification Scheme 2023. Collection method: clinical testing. Allele origin: germline.

NM_002528.7(NTHL1):c.582G>A (p.Gly194=)

Gene: NTHL1 (nth like DNA glycosylase 1; minus strand). Cytogenetic location: 16p13.3.
Variant type: single nucleotide variant.
Coding change: c.582G>A on transcript NM_002528.7 (MANE Select); coding-DNA position 582, G replaced by A.
Protein change: p.Gly194=; no amino-acid change (glycine 194 retained).
Molecular consequence: synonymous variant.
Genome position (GRCh38, 1-based): chr16:2,043,670, C>T on the plus strand (G>A on the coding strand, the complement: NTHL1 is on the minus strand). VCF-style: chr16-2043670-C-T. GRCh37 (hg19) VCF-style: chr16-2093671-C-T.
Other names: c.411G>A, p.Gly137= (NM_001318193.2); c.252G>A, p.Gly84= (NM_001318194.2).
Identifiers: ClinVar variation 758316 (VCV000758316.18), dbSNP rs1025984433, ClinGen allele CA276763898.